The following is an entry in ClinVar:

ClinVar aggregate classification (germline): Uncertain significance (1 of 4 stars; one submission).

Conditions:
DNA ligase IV deficiency. Identifiers: Orphanet 99812, MedGen C1847827, MONDO:0011686, OMIM 606593.

Submission:

Labcorp Genetics (formerly Invitae), Labcorp
Classification: Uncertain significance for DNA ligase IV deficiency. Last evaluated: 2022-02-06. Review status: criteria provided, single submitter. Criteria: Invitae Variant Classification Sherloc (09022015). Collection method: clinical testing. Allele origin: germline.
Comment: This sequence change replaces arginine, which is basic and polar, with leucine, which is neutral and non-polar, at codon 814 of the LIG4 protein (p.Arg814Leu). This variant is present in population databases (no rsID available, gnomAD 0.0009%). This variant has not been reported in the literature in individuals affected with LIG4-related conditions. Algorithms developed to predict the effect of missense changes on protein structure and function are either unavailable or do not agree on the potential impact of this missense change (SIFT: "Deleterious"; PolyPhen-2: "Possibly Damaging"; Align-GVGD: "Class C0"). In summary, the available evidence is currently insufficient to determine the role of this variant in disease. Therefore, it has been classified as a Variant of Uncertain Significance.

NM_206937.2(LIG4):c.2441G>T (p.Arg814Leu)

Gene: LIG4 (DNA ligase 4; minus strand). Cytogenetic location: 13q33.3.
Variant type: single nucleotide variant.
Coding change: c.2441G>T on transcript NM_206937.2 (MANE Select); coding-DNA position 2441, G replaced by T.
Protein change: p.Arg814Leu; replaces arginine 814 with leucine.
Molecular consequence: missense variant.
Genome position (GRCh38, 1-based): chr13:108,208,828, C>A on the plus strand (G>T on the coding strand, the complement: LIG4 is on the minus strand). VCF-style: chr13-108208828-C-A. GRCh37 (hg19) VCF-style: chr13-108861176-C-A.
Other names: c.2441G>T, p.Arg814Leu (NM_001098268.2, NM_001352598.2, NM_001352599.2 and 6 more transcripts); c.2240G>T, p.Arg747Leu (NM_001330595.2); c.2477G>T, p.Arg826Leu (NM_001352604.2); short protein forms R826L, R747L, R814L.
Identifiers: ClinVar variation 1925034 (VCV001925034.2), dbSNP rs1361975166, ClinGen allele CA388613137.